The following is an entry in ClinVar:

ClinVar aggregate classification (germline): Conflicting classifications of pathogenicity. Review status: criteria provided, conflicting classifications (1 of 4 stars). 2 submissions from 2 submitters: Likely pathogenic (1); Uncertain significance (1). Last evaluated 2026-03-18.

Conditions:
COL6A2-related disorder.
Bethlem myopathy 1A. Also called: Bethlem Muscular Dystrophy; Bethlem myopathy 1; MYOPATHY, BENIGN CONGENITAL, WITH CONTRACTURES. Identifiers: Orphanet 610, MedGen CN029274, MONDO:0024530, OMIM 158810.

Allele frequency attached by ClinVar (database versions not stated): gnomAD exomes below 0.00001; ExAC 0.00001; TOPMed 0.00001.
gnomAD v4.1: 1 of 1,610,080 alleles (0.000062%); highest among the groups gnomAD compares: Non-Finnish European, 0.000085%; no homozygotes.

Submissions (2):

PreventionGenetics, part of Exact Sciences
Classification: Likely pathogenic for COL6A2-related condition. Last evaluated: 2026-03-18. Review status: criteria provided, single submitter. Criteria: ACMG Guidelines, 2015. Collection method: clinical testing. Allele origin: germline.
Comment: The COL6A2 c.1181G>C variant is predicted to result in the amino acid substitution p.Gly394Ala. To our knowledge, this variant has not been reported in the literature. This variant has been reported in one heterozygous individual within the ‘other’ subpopulation in gnomAD. This variant affects a Gly residue of the conserved triple helical domain, where substitutions of the glycine are usually pathogenic (Butterfield et al. 2013. PubMed ID: 24038877). An alternate missense variant at the same residue (p.Gly394Glu) has been reported in the compound heterozygous state in an individual with a COL6A2‑related phenotype (table S2, Briñas et al. 2010. PubMed ID: 20976770) and in the heterozygous state in one individual with Ullrich congenital muscular dystrophy who also carried an additional COL6A3 variant (table S1, Butterfield et al. 2013. PubMed ID: 24038877). Taken together, we interpret this variant as likely pathogenic.

Labcorp Genetics (formerly Invitae), Labcorp
Classification: Uncertain significance for Bethlem myopathy 1A. Last evaluated: 2023-08-27. Review status: criteria provided, single submitter. Criteria: Invitae Variant Classification Sherloc (09022015). Collection method: clinical testing. Allele origin: germline.
Comment: This sequence change replaces glycine, which is neutral and non-polar, with alanine, which is neutral and non-polar, at codon 394 of the COL6A2 protein (p.Gly394Ala). In summary, the available evidence is currently insufficient to determine the role of this variant in disease. Therefore, it has been classified as a Variant of Uncertain Significance. This variant disrupts the p.Gly394 amino acid residue in COL6A2. Other variant(s) that disrupt this residue have been observed in individuals with COL6A2-related conditions (PMID: 20976770, 24038877), which suggests that this may be a clinically significant amino acid residue. This variant disrupts the triple helix domain of COL6A2. Glycine residues within the Gly-Xaa-Yaa repeats of the triple helix domain are required for the structure and stability of fibrillar collagens (PMID: 7695699, 8218237, 19344236). In COL6A2, missense variants at these glycine residues are significantly enriched in individuals with autosomal dominant disease (PMID: 15689448, 24038877) compared to the general population (ExAC). An algorithm developed to predict the effect of missense changes on protein structure and function (PolyPhen-2) suggests that this variant is likely to be disruptive. ClinVar contains an entry for this variant (Variation ID: 572135). This variant has not been reported in the literature in individuals affected with COL6A2-related conditions. This variant is present in population databases (rs756966358, gnomAD no frequency).

Literature cited by the submitters: PubMed 20976770 (cited by Labcorp Genetics (formerly Invitae), Labcorp); PubMed 24038877 (cited by Labcorp Genetics (formerly Invitae), Labcorp); PubMed 7695699 (cited by Labcorp Genetics (formerly Invitae), Labcorp); PubMed 8218237 (cited by Labcorp Genetics (formerly Invitae), Labcorp); PubMed 19344236 (cited by Labcorp Genetics (formerly Invitae), Labcorp); PubMed 15689448 (cited by Labcorp Genetics (formerly Invitae), Labcorp).

NM_001849.4(COL6A2):c.1181G>C (p.Gly394Ala)

Gene: COL6A2 (collagen type VI alpha 2 chain; plus strand). Cytogenetic location: 21q22.3.
Variant type: single nucleotide variant.
Coding change: c.1181G>C on transcript NM_001849.4 (MANE Select); coding-DNA position 1181, G replaced by C.
Protein change: p.Gly394Ala; replaces glycine 394 with alanine.
Molecular consequence: missense variant.
Genome position (GRCh38, 1-based): chr21:46,119,031, G>C. VCF-style: chr21-46119031-G-C. GRCh37 (hg19) VCF-style: chr21-47538945-G-C.
Other names: c.1181G>C, p.Gly394Ala (NM_058174.3, NM_058175.3); short protein forms G394A.
Identifiers: ClinVar variation 572135 (VCV000572135.10), dbSNP rs756966358, ClinGen allele CA10071763.